The following is an entry in ClinVar:

NM_001368397.1(FRMPD4):c.814-7C>T

Gene: FRMPD4 (FERM and PDZ domain containing 4; plus strand). Cytogenetic location: Xp22.2.
Variant type: single nucleotide variant.
Coding change: c.814-7C>T on transcript NM_001368397.1 (MANE Select); 7 bases into the intron before coding-DNA position 814, C replaced by T.
Molecular consequence: intron variant.
Genome position (GRCh38, 1-based): chrX:12,694,328, C>T. VCF-style: chrX-12694328-C-T. GRCh37 (hg19) VCF-style: chrX-12712447-C-T.
Other names: c.925-7C>T (NM_001368398.3, NM_001368395.3); c.790-7C>T (NM_001368402.3, NM_001368401.1); c.694-7C>T (NM_001368400.3); c.805-7C>T (NM_001368399.3); c.814-7C>T (NM_014728.3); c.820-7C>T (NM_001368396.3).
Identifiers: ClinVar variation 4293500 (VCV004293500.1).

ClinVar aggregate classification (germline): Uncertain significance (1 of 4 stars; one submission).

Conditions:
Intellectual developmental disorder, X-linked 104. Also called: Intellectual disability, X-linked 104. Identifiers: MedGen C4310817, MONDO:0010509, OMIM 300983.

gnomAD v4.1: 2 of 1,197,672 alleles (0.00017%); highest among the groups gnomAD compares: Admixed American, 0.0022%; no homozygotes.

Submission:

3billion
Classification: Uncertain significance for Intellectual developmental disorder, X-linked 104. Last evaluated: 2024-12-16. Review status: criteria provided, single submitter. Criteria: ACMG Guidelines, 2015. Collection method: clinical testing. Allele origin: germline. Affected: yes.
Comment: The variant is observed at an extremely low frequency in the gnomAD v4.1.0 dataset (total allele frequency: <0.001%). Predicted Consequence/Location: Intron variant In silico tools predict the variant to alter splicing and produce an abnormal transcript [SpliceAI: 0.22 (>=0.2, moderate evidence for spliceogenicity)]. Therefore, this variant is classified as VUS according to the recommendation of ACMG/AMP guideline.